The following is an entry in ClinVar:

NM_002203.4(ITGA2):c.517A>G (p.Ile173Val)

Gene: ITGA2 (integrin subunit alpha 2; plus strand). Cytogenetic location: 5q11.2.
Variant type: single nucleotide variant.
Coding change: c.517A>G on transcript NM_002203.4 (MANE Select); coding-DNA position 517, A replaced by G.
Protein change: p.Ile173Val; replaces isoleucine 173 with valine.
Molecular consequence: missense variant. On other transcripts: non-coding transcript variant (5).
Genome position (GRCh38, 1-based): chr5:53,048,657, A>G. VCF-style: chr5-53048657-A-G. GRCh37 (hg19) VCF-style: chr5-52344487-A-G.
Other names: short protein forms I173V.
Identifiers: ClinVar variation 353735 (VCV000353735.30), dbSNP rs55973669, ClinGen allele CA3262640.
Genomic context (GRCh38, chr5:53,048,657, plus strand): 5'-ATGACTTACCTGTGGAAATCTGCTTCTTTCCTCTTTTCCTGTGTAGCCTGCCCTTCCCTC[A>G]TAGATGTTGTGGTTGTGTGTGATGAATCAAATAGTATTTATCCTTGGGATGCAGTAAAGA-3'
Protein context (NP_002194.2, residues 163-183): SPATQPCPSL[Ile173Val]DVVVVCDESN

ClinVar aggregate classification (germline): Benign/Likely benign. Review status: criteria provided, multiple submitters, no conflicts (2 of 4 stars). 3 submissions from 3 submitters: Benign (1); Likely benign (2). Last evaluated 2025-10-01.

Conditions:
Platelet-type bleeding disorder 9 (BDPLT9). Also called: GLYCOPROTEIN Ia DEFICIENCY; GP Ia DEFICIENCY; COLLAGEN PLATELET RECEPTOR DEFICIENCY. Identifiers: Orphanet 73271, Orphanet 98886, MedGen C3280114, MONDO:0013622, OMIM 614200.

Allele frequency attached by ClinVar (database versions not stated): gnomAD 0.00232 and 0.00252; 1000 Genomes Project 0.00240; TOPMed 0.00249; 1000 Genomes Project 30x 0.00265; ESP Exome Variant Server 0.00269; gnomAD exomes 0.00292 and 0.00332; ExAC 0.00321.
gnomAD v4.1: 4,665 of 1,613,950 alleles (0.29%); highest among the groups gnomAD compares: South Asian, 0.97%; 15 homozygotes.

Submissions (3):

CeGaT Center for Human Genetics Tuebingen
Classification: Likely benign. Last evaluated: 2025-10-01. Review status: criteria provided, single submitter. Criteria: CeGaT Center For Human Genetics Tuebingen Variant Classification Criteria Version 2. Collection method: clinical testing. Allele origin: germline. Affected: yes. Observed: 2 variant alleles.
Comment: ITGA2: BP4, BS2

Blueprint Genetics
Classification: Likely benign. Last evaluated: 2024-11-22. Review status: criteria provided, single submitter. Criteria: ACMG Guidelines, 2015. Collection method: clinical testing. Allele origin: germline.

Illumina Laboratory Services, Illumina
Classification: Benign for Platelet-type bleeding disorder 9. Last evaluated: 2018-01-13. Review status: criteria provided, single submitter. Criteria: ICSL Variant Classification Criteria 13 December 2019. Collection method: clinical testing. Allele origin: germline.
Comment: This variant was observed in the ICSL laboratory as part of a predisposition screen in an ostensibly healthy population. It had not been previously curated by ICSL or reported in the Human Gene Mutation Database (HGMD: prior to June 1st, 2018), and was therefore a candidate for classification through an automated scoring system. Utilizing variant allele frequency, disease prevalence and penetrance estimates, and inheritance mode, an automated score was calculated to assess if this variant is too frequent to cause the disease. Based on the score and internal cut-off values, a variant classified as benign is not then subjected to further curation. The score for this variant resulted in a classification of benign for this disease.